The following is an entry in ClinVar:

ClinVar aggregate classification (germline): Conflicting classifications of pathogenicity. Review status: criteria provided, conflicting classifications (1 of 4 stars). 2 submissions from 2 submitters: Uncertain significance (1); Likely benign (1). Last evaluated 2026-02-06.

Conditions:
Pheochromocytoma/paraganglioma syndrome 5. Also called: Paragangliomas 5; SDHA-Related Hereditary Paraganglioma-Pheochromocytoma Syndrome. Identifiers: Orphanet 29072, MedGen C3279992, MONDO:0013602, OMIM 614165.
Mitochondrial complex II deficiency, nuclear type 1. Also called: SUCCINATE CoQ REDUCTASE DEFICIENCY. Identifiers: Orphanet 3208, MedGen C5700310, MONDO:0100294, OMIM 252011.
Hereditary cancer-predisposing syndrome. Also called: Hereditary Cancer Syndrome; Hereditary neoplastic syndrome; Neoplastic Syndromes, Hereditary; Tumor predisposition. Identifiers: Orphanet 140162, MedGen C0027672, MeSH D009386, MONDO:0015356.

Submissions (2):

Ambry Genetics
Classification: Likely benign for Hereditary cancer-predisposing syndrome. Last evaluated: 2026-02-06. Review status: criteria provided, single submitter. Criteria: Ambry Variant Classification Scheme 2023. Collection method: clinical testing. Allele origin: germline.

Labcorp Genetics (formerly Invitae), Labcorp
Classification: Uncertain significance for Pheochromocytoma/paraganglioma syndrome 5; Mitochondrial complex II deficiency, nuclear type 1. Last evaluated: 2024-10-22. Review status: criteria provided, single submitter. Criteria: Invitae Variant Classification Sherloc (09022015). Collection method: clinical testing. Allele origin: germline.
Comment: This sequence change replaces lysine, which is basic and polar, with asparagine, which is neutral and polar, at codon 20 of the SDHA protein (p.Lys20Asn). This variant is not present in population databases (gnomAD no frequency). This variant has not been reported in the literature in individuals affected with SDHA-related conditions. ClinVar contains an entry for this variant (Variation ID: 2067043). Invitae Evidence Modeling of protein sequence and biophysical properties (such as structural, functional, and spatial information, amino acid conservation, physicochemical variation, residue mobility, and thermodynamic stability) indicates that this missense variant is not expected to disrupt SDHA protein function with a negative predictive value of 95%. In summary, the available evidence is currently insufficient to determine the role of this variant in disease. Therefore, it has been classified as a Variant of Uncertain Significance.

NM_004168.4(SDHA):c.60G>T (p.Lys20Asn)

Gene: SDHA (succinate dehydrogenase complex flavoprotein subunit A; plus strand). Cytogenetic location: 5p15.33.
Variant type: single nucleotide variant.
Coding change: c.60G>T on transcript NM_004168.4 (MANE Select); coding-DNA position 60, G replaced by T.
Protein change: p.Lys20Asn; replaces lysine 20 with asparagine.
Molecular consequence: missense variant.
Genome position (GRCh38, 1-based): chr5:218,415, G>T. VCF-style: chr5-218415-G-T. GRCh37 (hg19) VCF-style: chr5-218530-G-T.
Other names: c.60G>T (NM_004168.2); c.60G>T, p.Lys20Asn (NM_001294332.2, NM_001330758.2); short protein forms K20N.
Identifiers: ClinVar variation 2067043 (VCV002067043.7), dbSNP rs1734504425, ClinGen allele CA359007464.